The following is an entry in ClinVar:

NM_002474.3(MYH11):c.4825C>A (p.Arg1609=)

Genes: MYH11 (myosin heavy chain 11; minus strand), NDE1 (nudE neurodevelopment protein 1; plus strand). Cytogenetic location: 16p13.11.
Variant type: single nucleotide variant.
Coding change: c.4825C>A on transcript NM_002474.3 (MANE Select); coding-DNA position 4825, C replaced by A.
Protein change: p.Arg1609=; no amino-acid change (arginine 1609 retained).
Molecular consequence: synonymous variant. On other transcripts: intron variant (2).
Genome position (GRCh38, 1-based): chr16:15,720,279, G>T on the plus strand (C>A on the coding strand, the complement: MYH11 is on the minus strand). VCF-style: chr16-15720279-G-T. GRCh37 (hg19) VCF-style: chr16-15814136-G-T.
Other names: c.4846C>A, p.Arg1616= (NM_001040113.2, NM_001040114.2); c.4825C>A, p.Arg1609= (NM_022844.3); c.948-3912G>T (NM_001143979.2, NM_017668.3).
Identifiers: ClinVar variation 924056 (VCV000924056.35), dbSNP rs1055960218, ClinGen allele CA278598382.

ClinVar aggregate classification (germline): Likely benign. Review status: criteria provided, multiple submitters, no conflicts (2 of 4 stars). 5 submissions from 5 submitters: Likely benign (5). Last evaluated 2025-10-01.

Conditions:
Familial thoracic aortic aneurysm and aortic dissection (TAAD). Also called: Thoracic aortic aneurysms and dissections. Identifiers: Orphanet 91387, MedGen C4707243, MONDO:0019625.
Aortic aneurysm, familial thoracic 4 (AAT4). Also called: AORTIC ANEURYSM/AORTIC DISSECTION AND PATENT DUCTUS ARTERIOSUS. Identifiers: MedGen C1851504, MONDO:0007568, OMIM 132900.

Allele frequency attached by ClinVar (database versions not stated): gnomAD exomes below 0.00001; TOPMed 0.00002.
gnomAD v4.1: 5 of 1,614,060 alleles (0.00031%); highest among the groups gnomAD compares: Admixed American, 0.0017%; no homozygotes.

Submissions (5):

Labcorp Genetics (formerly Invitae), Labcorp
Classification: Likely benign for Aortic aneurysm, familial thoracic 4. Last evaluated: 2025-10-01. Review status: criteria provided, single submitter. Criteria: Invitae Variant Classification Sherloc (09022015). Collection method: clinical testing. Allele origin: germline.

CeGaT Center for Human Genetics Tuebingen
Classification: Likely benign. Last evaluated: 2024-04-01. Review status: criteria provided, single submitter. Criteria: CeGaT Center For Human Genetics Tuebingen Variant Classification Criteria Version 2. Collection method: clinical testing. Allele origin: germline. Affected: yes. Observed: 2 variant alleles.
Comment: MYH11: BP4, BP7

All of Us Research Program, National Institutes of Health
Classification: Likely benign for Familial thoracic aortic aneurysm and aortic dissection. Last evaluated: 2024-02-05. Review status: criteria provided, single submitter. Criteria: ACMG Guidelines, 2015. Collection method: clinical testing. Allele origin: germline. Inheritance: Autosomal dominant inheritance. Observed: 3 variant alleles, 3 heterozygotes.
Comment: This study involves interpretation of variants in research participants for the purpose of population health screening. Participant phenotype was not available at the time of variant classification. Additional details can be found in publication PMID: 35346344, PMCID: PMC8962531

Ambry Genetics
Classification: Likely benign for Familial thoracic aortic aneurysm and aortic dissection. Last evaluated: 2024-01-22. Review status: criteria provided, single submitter. Criteria: Ambry Variant Classification Scheme 2023. Collection method: clinical testing. Allele origin: germline.

Color Diagnostics, LLC DBA Color Health
Classification: Likely benign for Familial thoracic aortic aneurysm and aortic dissection. Last evaluated: 2019-11-06. Review status: criteria provided, single submitter. Criteria: ACMG Guidelines, 2015. Collection method: clinical testing. Allele origin: germline.